The following is an entry in ClinVar:

NM_001378609.3(OTOGL):c.816A>G (p.Gln272=)

Gene: OTOGL (otogelin like; plus strand). Cytogenetic location: 12q21.31.
Variant type: single nucleotide variant.
Coding change: c.816A>G on transcript NM_001378609.3 (MANE Select); coding-DNA position 816, A replaced by G.
Protein change: p.Gln272=; no amino-acid change (glutamine 272 retained).
Molecular consequence: synonymous variant.
Genome position (GRCh38, 1-based): chr12:80,233,096, A>G. VCF-style: chr12-80233096-A-G. GRCh37 (hg19) VCF-style: chr12-80626876-A-G.
Other names: c.816A>G, p.Gln272= (NM_001368062.3, NM_001378610.3, NM_173591.7).
Identifiers: ClinVar variation 229121 (VCV000229121.5), dbSNP rs772509606, ClinGen allele CA6700264.

ClinVar aggregate classification (germline): Uncertain significance (1 of 4 stars; one submission).

Allele frequency attached by ClinVar (database versions not stated): gnomAD exomes 0.00001 and 0.00006; TOPMed 0.00003; ExAC 0.00006; gnomAD 0.00001.
gnomAD v4.1: 22 of 1,585,066 alleles (0.0014%); highest among the groups gnomAD compares: East Asian, 0.038%; no homozygotes.

Submission:

Laboratory for Molecular Medicine, Mass General Brigham Personalized Medicine
Classification: Uncertain significance. Last evaluated: 2016-03-29. Review status: criteria provided, single submitter. Criteria: LMM Criteria. Collection method: clinical testing. Allele origin: germline. Observed: 1 variant allele.
Comment: The p.Gln263Gln (c.789A>G) variant in OTOGL has not been previously reported in individuals with hearing loss but has been identified in 6/7454 East Asian chrom osomes by the Exome Aggregation Consortium (ExAC ; dbSNP rs772509606). Although this variant has been seen in the general populat ion, its frequency is not high enough to rule out a pathogenic role. This varian t is located in the second to last base of the exon, which is part of the 5' spl ice region. Computational tools suggest a potential impact to splicing. However , this information is not predictive enough to determine pathogenicity. In summa ry, the clinical significance of this variant is uncertain.